The following is an entry in ClinVar:

NM_012062.5(DNM1L):c.22A>C (p.Ile8Leu)

Gene: DNM1L (dynamin 1 like; plus strand). Cytogenetic location: 12p11.21.
Variant type: single nucleotide variant.
Coding change: c.22A>C on transcript NM_012062.5 (MANE Select); coding-DNA position 22, A replaced by C.
Protein change: p.Ile8Leu; replaces isoleucine 8 with leucine.
Molecular consequence: missense variant. On other transcripts: 5 prime UTR variant (1).
Genome position (GRCh38, 1-based): chr12:32,679,385, A>C. VCF-style: chr12-32679385-A-C. GRCh37 (hg19) VCF-style: chr12-32832319-A-C.
Other names: c.22A>C, p.Ile8Leu (NM_001278463.2, NM_001278464.2, NM_001278465.2 and 3 more transcripts); c.-184A>C (NM_001278466.2); short protein forms I8L.
Identifiers: ClinVar variation 2729597 (VCV002729597.3), dbSNP rs1471152339, ClinGen allele CA384359193.
Genomic context (GRCh38, chr12:32,679,385, plus strand): 5'-CGTGGCCGGCGGGCACTGGGGCCCCGTGTTTTCAGAGTCATGGAGGCGCTAATTCCTGTC[A>C]TAAACAAGCTCCAGGACGTCTTCAACACGGTGGGCGCCGACATCATCCAGCTGCCTCAAA-3'
Protein context (NP_036192.2, residues 1-18): MEALIPV[Ile8Leu]NKLQDVFNTV

ClinVar aggregate classification (germline): Uncertain significance (1 of 4 stars; one submission).

Allele frequency attached by ClinVar (database versions not stated): gnomAD 0.00001; TOPMed 0.00001.
gnomAD v4.1: 3 of 1,613,710 alleles (0.00019%); highest among the groups gnomAD compares: African/African-American, 0.004%; no homozygotes.

Submission:

Labcorp Genetics (formerly Invitae), Labcorp
Classification: Uncertain significance. Last evaluated: 2025-06-19. Review status: criteria provided, single submitter. Criteria: Invitae Variant Classification Sherloc (09022015). Collection method: clinical testing. Allele origin: germline.
Comment: This sequence change replaces isoleucine, which is neutral and non-polar, with leucine, which is neutral and non-polar, at codon 8 of the DNM1L protein (p.Ile8Leu). This variant is present in population databases (no rsID available, gnomAD 0.007%). This variant has not been reported in the literature in individuals affected with DNM1L-related conditions. ClinVar contains an entry for this variant (Variation ID: 2729597). An algorithm developed to predict the effect of missense changes on protein structure and function (PolyPhen-2) suggests that this variant is likely to be tolerated. In summary, the available evidence is currently insufficient to determine the role of this variant in disease. Therefore, it has been classified as a Variant of Uncertain Significance.